The following is an entry in ClinVar:

ClinVar aggregate classification (germline): Uncertain significance. Review status: criteria provided, multiple submitters, no conflicts (2 of 4 stars). 2 submissions from 2 submitters: Uncertain significance (2). Last evaluated 2025-05-16.

Conditions:
Congenital disorder of glycosylation type Ir (CDG1R). Also called: DDOST-congenital disorder of glycosylation. Identifiers: Orphanet 300536, MedGen C3281084, MONDO:0013789, OMIM 614507.

Allele frequency attached by ClinVar (database versions not stated): ExAC 0.00002; gnomAD exomes 0.00004.

Submissions (2):

Labcorp Genetics (formerly Invitae), Labcorp
Classification: Uncertain significance for Congenital disorder of glycosylation type Ir. Last evaluated: 2025-05-16. Review status: criteria provided, single submitter. Criteria: Invitae Variant Classification Sherloc (09022015). Collection method: clinical testing. Allele origin: germline.
Comment: This sequence change replaces valine, which is neutral and non-polar, with methionine, which is neutral and non-polar, at codon 410 of the DDOST protein (p.Val410Met). This variant is present in population databases (rs200636246, gnomAD 0.005%). This variant has not been reported in the literature in individuals affected with DDOST-related conditions. ClinVar contains an entry for this variant (Variation ID: 2198382). Invitae Evidence Modeling of protein sequence and biophysical properties (such as structural, functional, and spatial information, amino acid conservation, physicochemical variation, residue mobility, and thermodynamic stability) indicates that this missense variant is expected to disrupt DDOST protein function with a positive predictive value of 80%. In summary, the available evidence is currently insufficient to determine the role of this variant in disease. Therefore, it has been classified as a Variant of Uncertain Significance.

CeGaT Center for Human Genetics Tuebingen
Classification: Uncertain significance. Last evaluated: 2024-03-01. Review status: criteria provided, single submitter. Criteria: CeGaT Center For Human Genetics Tuebingen Variant Classification Criteria Version 2. Collection method: clinical testing. Allele origin: germline. Affected: yes. Observed: 1 variant allele.
Comment: DDOST: PM2, PP3

NM_005216.5(DDOST):c.1177G>A (p.Val393Met)

Gene: DDOST (dolichyl-diphosphooligosaccharide--protein glycosyltransferase non-catalytic subunit; minus strand). Cytogenetic location: 1p36.12.
Variant type: single nucleotide variant.
Coding change: c.1177G>A on transcript NM_005216.5 (MANE Select); coding-DNA position 1177, G replaced by A.
Protein change: p.Val393Met; replaces valine 393 with methionine.
Molecular consequence: missense variant.
Genome position (GRCh38, 1-based): chr1:20,652,522, C>T on the plus strand (G>A on the coding strand, the complement: DDOST is on the minus strand). VCF-style: chr1-20652522-C-T. GRCh37 (hg19) VCF-style: chr1-20979015-C-T.
Other names: short protein forms V393M.
Identifiers: ClinVar variation 2198382 (VCV002198382.25), dbSNP rs200636246, ClinGen allele CA660995.